The following is an entry in ClinVar:

NM_001271.4(CHD2):c.984G>A (p.Gln328=)

Gene: CHD2 (chromodomain helicase DNA binding protein 2; plus strand). Cytogenetic location: 15q26.1.
Variant type: single nucleotide variant.
Coding change: c.984G>A on transcript NM_001271.4 (MANE Select); coding-DNA position 984, G replaced by A.
Protein change: p.Gln328=; no amino-acid change (glutamine 328 retained).
Molecular consequence: synonymous variant.
Genome position (GRCh38, 1-based): chr15:92,943,000, G>A. VCF-style: chr15-92943000-G-A. GRCh37 (hg19) VCF-style: chr15-93486230-G-A.
Other names: c.984G>A, p.Gln328= (NM_001042572.3).
Identifiers: ClinVar variation 385682 (VCV000385682.10), dbSNP rs944181807, ClinGen allele CA16607083.

ClinVar aggregate classification (germline): Likely benign. Review status: criteria provided, multiple submitters, no conflicts (2 of 4 stars). 2 submissions from 2 submitters: Likely benign (2). Last evaluated 2025-08-26.

Conditions:
Developmental and epileptic encephalopathy 94 (DEE94). Also called: Epileptic encephalopathy, childhood-onset; CHD2-Related Neurodevelopmental Disorders. Identifiers: Orphanet 1942, Orphanet 2382, MedGen C3809278, MONDO:0014150, OMIM 615369.

Allele frequency attached by ClinVar (database versions not stated): gnomAD exomes below 0.00001 and 0.00002; gnomAD 0.00007; TOPMed 0.00010.
gnomAD v4.1: 17 of 1,613,880 alleles (0.0011%); highest among the groups gnomAD compares: Admixed American, 0.018%; no homozygotes.

Submissions (2):

Labcorp Genetics (formerly Invitae), Labcorp
Classification: Likely benign for Developmental and epileptic encephalopathy 94. Last evaluated: 2025-08-26. Review status: criteria provided, single submitter. Criteria: Invitae Variant Classification Sherloc (09022015). Collection method: clinical testing. Allele origin: germline.

GeneDx
Classification: Likely benign. Last evaluated: 2016-05-03. Review status: criteria provided, single submitter. Criteria: GeneDx Variant Classification (06012015). Collection method: clinical testing. Allele origin: germline. Affected: yes.
Comment: This variant is considered likely benign or benign based on one or more of the following criteria: it is a conservative change, it occurs at a poorly conserved position in the protein, it is predicted to be benign by multiple in silico algorithms, and/or has population frequency not consistent with disease.